The following is an entry in ClinVar:

ClinVar aggregate classification (germline): Uncertain significance (1 of 4 stars; one submission).

Conditions:
Dilated cardiomyopathy 1DD (CMD1DD). Identifiers: Orphanet 154, MedGen C2750995, MONDO:0013168, OMIM 613172.

Submission:

Labcorp Genetics (formerly Invitae), Labcorp
Classification: Uncertain significance for Dilated cardiomyopathy 1DD. Last evaluated: 2025-12-08. Review status: criteria provided, single submitter. Criteria: Invitae Variant Classification Sherloc (09022015). Collection method: clinical testing. Allele origin: germline.
Comment: This sequence change replaces alanine, which is neutral and non-polar, with threonine, which is neutral and polar, at codon 557 of the RBM20 protein (p.Ala557Thr). This variant is not present in population databases (gnomAD no frequency). This variant has not been reported in the literature in individuals affected with RBM20-related conditions. ClinVar contains an entry for this variant (Variation ID: 2185178). An algorithm developed to predict the effect of missense changes on protein structure and function (PolyPhen-2) suggests that this variant is likely to be disruptive. In summary, the available evidence is currently insufficient to determine the role of this variant in disease. Therefore, it has been classified as a Variant of Uncertain Significance.

NM_001134363.3(RBM20):c.1669G>A (p.Ala557Thr)

Gene: RBM20 (RNA binding motif protein 20; plus strand). Cytogenetic location: 10q25.2.
Variant type: single nucleotide variant.
Coding change: c.1669G>A on transcript NM_001134363.3 (MANE Select); coding-DNA position 1669, G replaced by A.
Protein change: p.Ala557Thr; replaces alanine 557 with threonine.
Molecular consequence: missense variant.
Genome position (GRCh38, 1-based): chr10:110,799,787, G>A. VCF-style: chr10-110799787-G-A. GRCh37 (hg19) VCF-style: chr10-112559545-G-A.
Other names: short protein forms A557T.
Identifiers: ClinVar variation 2185178 (VCV002185178.4), dbSNP rs2493448944, ClinGen allele CA378390617.
Genomic context (GRCh38, chr10:110,799,787, plus strand): 5'-TGAATCTTGTTTAAGACCATTAAAGTCAAGTCCAGTGAGTGTCCTTCCTTTCTTTCTTAG[G>A]CCTTTTTAGAGATGGCTTACACAGAAGCTGCACAGGCCATGGTCCAGTATTATCAAGAAA-3'
Protein context (NP_001127835.2, residues 547-567): NYILMKSTNQ[Ala557Thr]FLEMAYTEAA